The following is an entry in ClinVar:

ClinVar aggregate classification (germline): Uncertain significance (1 of 4 stars; one submission).

Conditions:
PRDM16-related disorder. Also called: PRDM16-related condition.

Submission:

PreventionGenetics, part of Exact Sciences
Classification: Uncertain significance for PRDM16-related condition. Last evaluated: 2025-01-25. Review status: criteria provided, single submitter. Criteria: ACMG Guidelines, 2015. Collection method: clinical testing. Allele origin: germline.
Comment: The PRDM16 c.3334A>G variant is predicted to result in the amino acid substitution p.Ser1112Gly. To our knowledge, this variant has not been reported in the literature or in a large population database (gnomAD), indicating this variant is rare. At this time, the clinical significance of this variant is uncertain due to the absence of conclusive functional and genetic evidence.

NM_022114.4(PRDM16):c.3334A>G (p.Ser1112Gly)

Gene: PRDM16 (PR/SET domain 16; plus strand). Cytogenetic location: 1p36.32.
Variant type: single nucleotide variant.
Coding change: c.3334A>G on transcript NM_022114.4 (MANE Select); coding-DNA position 3334, A replaced by G.
Protein change: p.Ser1112Gly; replaces serine 1112 with glycine.
Molecular consequence: missense variant.
Genome position (GRCh38, 1-based): chr1:3,430,921, A>G. VCF-style: chr1-3430921-A-G. GRCh37 (hg19) VCF-style: chr1-3347485-A-G.
Other names: c.3334A>G, p.Ser1112Gly (NM_199454.3); short protein forms S1112G.
Identifiers: ClinVar variation 4999521 (VCV004999521.1).